The following is an entry in ClinVar:

ClinVar aggregate classification (germline): Uncertain significance. Review status: criteria provided, multiple submitters, no conflicts (2 of 4 stars). 2 submissions from 2 submitters: Uncertain significance (2). Last evaluated 2022-08-21.

Conditions:
Inborn genetic diseases. Identifiers: MedGen C0950123, MeSH D030342.

Allele frequency attached by ClinVar (database versions not stated): TOPMed 0.00002.
gnomAD v4.1: 8 of 1,611,620 alleles (0.0005%); highest among the groups gnomAD compares: Admixed American, 0.0084%; no homozygotes.

Submissions (2):

Labcorp Genetics (formerly Invitae), Labcorp
Classification: Uncertain significance. Last evaluated: 2022-08-21. Review status: criteria provided, single submitter. Criteria: Invitae Variant Classification Sherloc (09022015). Collection method: clinical testing. Allele origin: germline.
Comment: This sequence change replaces serine, which is neutral and polar, with tyrosine, which is neutral and polar, at codon 3685 of the HERC1 protein (p.Ser3685Tyr). This variant is present in population databases (no rsID available, gnomAD 0.01%). This variant has not been reported in the literature in individuals affected with HERC1-related conditions. Algorithms developed to predict the effect of missense changes on protein structure and function are either unavailable or do not agree on the potential impact of this missense change (SIFT: "Deleterious"; PolyPhen-2: "Benign"; Align-GVGD: "Class C0"). In summary, the available evidence is currently insufficient to determine the role of this variant in disease. Therefore, it has been classified as a Variant of Uncertain Significance.

Ambry Genetics
Classification: Uncertain significance for Inborn genetic diseases. Last evaluated: 2021-10-05. Review status: criteria provided, single submitter. Criteria: Ambry Variant Classification Scheme 2023. Collection method: clinical testing. Allele origin: germline.

NM_003922.4(HERC1):c.11054C>A (p.Ser3685Tyr)

Gene: HERC1 (HECT and RLD domain containing E3 ubiquitin protein ligase family member 1; minus strand). Cytogenetic location: 15q22.31.
Variant type: single nucleotide variant.
Coding change: c.11054C>A on transcript NM_003922.4 (MANE Select); coding-DNA position 11054, C replaced by A.
Protein change: p.Ser3685Tyr; replaces serine 3685 with tyrosine.
Molecular consequence: missense variant.
Genome position (GRCh38, 1-based): chr15:63,645,507, G>T on the plus strand (C>A on the coding strand, the complement: HERC1 is on the minus strand). VCF-style: chr15-63645507-G-T. GRCh37 (hg19) VCF-style: chr15-63937706-G-T.
Other names: c.11054C>A (NM_003922.3); short protein forms S3685Y.
Identifiers: ClinVar variation 2194591 (VCV002194591.2), dbSNP rs1372070730, ClinGen allele CA392750142.